The following is an entry in ClinVar:

NM_007294.4(BRCA1):c.2590dup (p.Ser864fs)

Gene: BRCA1 (BRCA1 DNA repair associated; minus strand). Cytogenetic location: 17q21.31.
Variant type: Duplication.
Coding change: c.2590dup on transcript NM_007294.4 (MANE Select); coding-DNA position 2590, one base duplicated (T; older notation c.2590dupT).
Protein change: p.Ser864fs; shifts the reading frame from serine 864.
Molecular consequence: frameshift variant. On other transcripts: intron variant (137).
Genome position (GRCh38, 1-based): chr17:43,092,941, A duplicated on the plus strand (T on the coding strand, the reverse complement: BRCA1 is on the minus strand); the first of 3 consecutive A bases (chr17:43,092,941-43,092,943); duplicating any one gives the same sequence. VCF-style (leftmost placement, unchanged base first): chr17-43092940-G-GA. GRCh37 (hg19) VCF-style: chr17-41244957-G-GA.
Other names: c.787+1803dup (NM_007299.4, NM_001407974.1, NM_001407980.1 and 17 more transcripts); c.788-802dup (NM_001407969.1, NM_001407968.1); c.523+1803dup (NM_001408501.1, NM_001408498.1, NM_001408500.1 and 3 more transcripts); c.577+1803dup (NM_001408513.1, NM_001408492.1, NM_001408481.1 and 9 more transcripts); c.520+1803dup (NM_001408503.1, NM_001408505.1, NM_001408504.1); c.646+1803dup (NM_001408455.1, NM_001408458.1, NM_001408469.1 and 11 more transcripts); c.643+1803dup (NM_001408468.1, NM_001408470.1, NM_001408464.1 and 3 more transcripts); c.2590dupT (NM_007294.3); and 42 more; short protein forms S817fs, S864fs, S568fs, S737fs, S816fs, S823fs, S775fs, S776fs.
Identifiers: ClinVar variation 821534 (VCV000821534.5), dbSNP rs1597868983, ClinGen allele CA915950058.

ClinVar aggregate classification (germline): Pathogenic (1 of 4 stars; one submission).

Conditions:
Hereditary cancer-predisposing syndrome. Also called: Tumor predisposition; Hereditary Cancer Syndrome; Neoplastic Syndromes, Hereditary; Hereditary neoplastic syndrome. Identifiers: Orphanet 140162, MedGen C0027672, MeSH D009386, MONDO:0015356.

Submission:

Ambry Genetics
Classification: Pathogenic for Hereditary cancer-predisposing syndrome. Last evaluated: 2019-04-29. Review status: criteria provided, single submitter. Criteria: Ambry Variant Classification Scheme 2023. Collection method: clinical testing. Allele origin: germline.
Comment: The c.2590dupT pathogenic mutation, located in coding exon 9 of the BRCA1 gene, results from a duplication of T at nucleotide position 2590, causing a translational frameshift with a predicted alternate stop codon (p.S864Ffs*39). This alteration is expected to result in loss of function by premature protein truncation or nonsense-mediated mRNA decay. As such, this alteration is interpreted as a disease-causing mutation.